The following is an entry in ClinVar:

NC_000016.10:g.88322074_88332073del

Variant type: Deletion.
Other names: NM_000135.2:c.2061_2852+180del.
Identifiers: ClinVar variation 974236 (VCV000974236.1), ClinGen allele CA1139664853.

ClinVar aggregate classification (germline): Pathogenic (0 of 4 stars; one submission).

Conditions:
Fanconi anemia complementation group A (FANCA). Also called: Fanconi anemia, group A; FANCA-Related Fanconi Anemia. Identifiers: Orphanet 84, MedGen C3469521, MONDO:0009215, OMIM 227650.

Submission:

Leiden Open Variation Database
Classification: Pathogenic for Fanconi anemia complementation group A. Last evaluated: 2020-02-28. Review status: no assertion criteria provided. Collection method: curation. Allele origin: germline. Affected: yes.
Comment: Curator: Arleen D. Auerbach. Submitter to LOVD: Arleen D. Auerbach.

Literature cited by the submitters: PubMed 25168418.